The following is an entry in ClinVar:

NM_012471.3(TRPC5):c.57C>G (p.Pro19=)

Gene: TRPC5 (transient receptor potential cation channel subfamily C member 5; minus strand). Cytogenetic location: Xq23.
Variant type: single nucleotide variant.
Coding change: c.57C>G on transcript NM_012471.3 (MANE Select); coding-DNA position 57, C replaced by G.
Protein change: p.Pro19=; no amino-acid change (proline 19 retained).
Molecular consequence: synonymous variant.
Genome position (GRCh38, 1-based): chrX:111,952,364, G>C on the plus strand (C>G on the coding strand, the complement: TRPC5 is on the minus strand). VCF-style: chrX-111952364-G-C. GRCh37 (hg19) VCF-style: chrX-111195592-G-C.
Identifiers: ClinVar variation 3348275 (VCV003348275.1).

ClinVar aggregate classification (germline): Likely benign (0 of 4 stars; one submission).

Conditions:
TRPC5-related disorder. Also called: TRPC5-related condition.

Submission:

PreventionGenetics, part of Exact Sciences
Classification: Likely benign for TRPC5-related condition. Last evaluated: 2023-11-06. Review status: no assertion criteria provided. Collection method: clinical testing. Allele origin: germline.
Comment: This variant is classified as likely benign based on ACMG/AMP sequence variant interpretation guidelines (Richards et al. 2015 PMID: 25741868, with internal and published modifications).